The following is an entry in ClinVar:

NM_004320.6(ATP2A1):c.2456G>A (p.Arg819His)

Gene: ATP2A1 (ATPase sarcoplasmic/endoplasmic reticulum Ca2+ transporting 1; plus strand). Cytogenetic location: 16p11.2.
Variant type: single nucleotide variant.
Coding change: c.2456G>A on transcript NM_004320.6 (MANE Select); coding-DNA position 2456, G replaced by A.
Protein change: p.Arg819His; replaces arginine 819 with histidine.
Molecular consequence: missense variant.
Genome position (GRCh38, 1-based): chr16:28,902,318, G>A. VCF-style: chr16-28902318-G-A. GRCh37 (hg19) VCF-style: chr16-28913639-G-A.
Other names: c.2081G>A, p.Arg694His (NM_001286075.2); c.2456G>A, p.Arg819His (NM_173201.5); short protein forms R694H, R819H.
Identifiers: ClinVar variation 886970 (VCV000886970.10), dbSNP rs780765179, ClinGen allele CA7987264.

ClinVar aggregate classification (germline): Uncertain significance. Review status: criteria provided, multiple submitters, no conflicts (2 of 4 stars). 2 submissions from 2 submitters: Uncertain significance (2). Last evaluated 2021-08-28.

Conditions:
Brody myopathy. Also called: BRODY DISEASE. Identifiers: Orphanet 53347, MedGen C1832918, MONDO:0010977, OMIM 601003.

Allele frequency attached by ClinVar (database versions not stated): ExAC 0.00001; gnomAD exomes 0.00001 and 0.00002; gnomAD 0.00003; TOPMed 0.00005.
gnomAD v4.1: 27 of 1,612,698 alleles (0.0017%); highest among the groups gnomAD compares: Middle Eastern, 0.016%; no homozygotes.

Submissions (2):

Labcorp Genetics (formerly Invitae), Labcorp
Classification: Uncertain significance for Brody myopathy. Last evaluated: 2021-08-28. Review status: criteria provided, single submitter. Criteria: Invitae Variant Classification Sherloc (09022015). Collection method: clinical testing. Allele origin: germline.
Comment: This sequence change replaces arginine with histidine at codon 819 of the ATP2A1 protein (p.Arg819His). The arginine residue is moderately conserved and there is a small physicochemical difference between arginine and histidine. This variant is present in population databases (rs780765179, ExAC 0.002%). This variant has not been reported in the literature in individuals affected with ATP2A1-related conditions. Algorithms developed to predict the effect of missense changes on protein structure and function are either unavailable or do not agree on the potential impact of this missense change (SIFT: "Deleterious"; PolyPhen-2: "Possibly Damaging"; Align-GVGD: "Class C0"). In summary, the available evidence is currently insufficient to determine the role of this variant in disease. Therefore, it has been classified as a Variant of Uncertain Significance.

Illumina Laboratory Services, Illumina
Classification: Uncertain significance for Brody myopathy. Last evaluated: 2018-01-12. Review status: criteria provided, single submitter. Criteria: ICSL Variant Classification Criteria 13 December 2019. Collection method: clinical testing. Allele origin: germline.